The following is an entry in ClinVar:

NM_003743.5(NCOA1):c.1238T>G (p.Met413Arg)

Gene: NCOA1 (nuclear receptor coactivator 1; plus strand). Cytogenetic location: 2p23.3.
Variant type: single nucleotide variant.
Coding change: c.1238T>G on transcript NM_003743.5 (MANE Select); coding-DNA position 1238, T replaced by G.
Protein change: p.Met413Arg; replaces methionine 413 with arginine.
Molecular consequence: missense variant.
Genome position (GRCh38, 1-based): chr2:24,706,708, T>G. VCF-style: chr2-24706708-T-G. GRCh37 (hg19) VCF-style: chr2-24929577-T-G.
Other names: c.1238T>G, p.Met413Arg (NM_001362950.1, NM_001362952.1, NM_001362954.1 and 3 more transcripts); short protein forms M413R.
Identifiers: ClinVar variation 4984798 (VCV004984798.1).

ClinVar aggregate classification (germline): Uncertain significance (1 of 4 stars; one submission).

Conditions:
NCOA1-related disorder. Also called: NCOA1-related condition.

gnomAD v4.1: 3 of 1,614,040 alleles (0.00019%); highest among the groups gnomAD compares: Admixed American, 0.005%; no homozygotes.

Submission:

PreventionGenetics, part of Exact Sciences
Classification: Uncertain significance for NCOA1-related condition. Last evaluated: 2026-04-27. Review status: criteria provided, single submitter. Criteria: ACMG Guidelines, 2015. Collection method: clinical testing. Allele origin: germline.
Comment: The NCOA1 c.1238T>G variant is predicted to result in the amino acid substitution p.Met413Arg. To our knowledge, this variant has not been reported in the literature. This variant is reported in 0.0058% of alleles in individuals of Latino descent in gnomAD. At this time, the clinical significance of this variant is uncertain due to the absence of conclusive functional and genetic evidence.